The following is an entry in ClinVar:

ClinVar aggregate classification (germline): Uncertain significance (1 of 4 stars; one submission).

Conditions:
Hereditary breast ovarian cancer syndrome. Also called: Breast and ovarian cancer; BRCA1- and BRCA2-Associated Hereditary Breast and Ovarian Cancer; Hereditary breast and ovarian cancer syndrome; Hereditary breast and ovarian cancer; Hereditary breast and ovarian cancer syndrome (HBOC); Hereditary breast and/or ovarian cancer syndrome. Identifiers: Orphanet 145, MedGen C0677776, MeSH D061325, MONDO:0003582. Disease mechanism: loss of function.

Submission:

Labcorp Genetics (formerly Invitae), Labcorp
Classification: Uncertain significance for Hereditary breast ovarian cancer syndrome. Last evaluated: 2021-12-24. Review status: criteria provided, single submitter. Criteria: Invitae Variant Classification Sherloc (09022015). Collection method: clinical testing. Allele origin: germline.
Comment: This sequence change replaces glycine, which is neutral and non-polar, with arginine, which is basic and polar, at codon 3201 of the BRCA2 protein (p.Gly3201Arg). This variant is not present in population databases (gnomAD no frequency). This variant has not been reported in the literature in individuals affected with BRCA2-related conditions. Advanced modeling of protein sequence and biophysical properties (such as structural, functional, and spatial information, amino acid conservation, physicochemical variation, residue mobility, and thermodynamic stability) performed at Invitae indicates that this missense variant is not expected to disrupt BRCA2 protein function. In summary, the available evidence is currently insufficient to determine the role of this variant in disease. Therefore, it has been classified as a Variant of Uncertain Significance.

NM_000059.4(BRCA2):c.9601G>A (p.Gly3201Arg)

Gene: BRCA2 (BRCA2 DNA repair associated; plus strand). Cytogenetic location: 13q13.1.
Variant type: single nucleotide variant.
Coding change: c.9601G>A on transcript NM_000059.4 (MANE Select); coding-DNA position 9601, G replaced by A.
Protein change: p.Gly3201Arg; replaces glycine 3201 with arginine.
Molecular consequence: missense variant.
Genome position (GRCh38, 1-based): chr13:32,396,997, G>A. VCF-style: chr13-32396997-G-A. GRCh37 (hg19) VCF-style: chr13-32971134-G-A.
Other names: c.9505G>A, p.Gly3169Arg (NM_001406719.1); c.9550G>A, p.Gly3184Arg (NM_001406720.1); c.4669G>A, p.Gly1557Arg (NM_001406721.1); c.3184G>A, p.Gly1062Arg (NM_001406722.1); short protein forms G1062R, G3184R, G1557R, G3201R, G3169R.
Identifiers: ClinVar variation 2056615 (VCV002056615.4), dbSNP rs2073041511, ClinGen allele CA387763560.
Genomic context (GRCh38, chr13:32,396,997, plus strand): 5'-ATGCATATACTGCATGCAAATGATCCCAAGTGGTCCACCCCAACTAAAGACTGTACTTCA[G>A]GGCCGTACACTGCTCAAATCATTCCTGGTACAGGAAACAAGCTTCTGGTAAGTTAATGTA-3'
Protein context (NP_000050.3, residues 3191-3211): WSTPTKDCTS[Gly3201Arg]PYTAQIIPGT